The following is an entry in ClinVar:

ClinVar aggregate classification (germline): Uncertain significance. Review status: criteria provided, multiple submitters, no conflicts (2 of 4 stars). 2 submissions from 2 submitters: Uncertain significance (2). Last evaluated 2024-02-21.

Conditions:
Severe early-onset pulmonary alveolar proteinosis due to MARS deficiency. Also called: PULMONARY ALVEOLAR PROTEINOSIS, REUNION ISLAND; Interstitial lung and liver disease. Identifiers: Orphanet 440427, MedGen C4225400, MONDO:0014206, OMIM 615486.
Charcot-Marie-Tooth disease axonal type 2U. Also called: CHARCOT-MARIE-TOOTH NEUROPATHY, TYPE 2U; CHARCOT-MARIE-TOOTH DISEASE, AXONAL, AUTOSOMAL DOMINANT, TYPE 2U. Identifiers: Orphanet 397735, MedGen C4084821, MONDO:0014566, OMIM 616280.

Submissions (2):

Labcorp Genetics (formerly Invitae), Labcorp
Classification: Uncertain significance for Charcot-Marie-Tooth disease axonal type 2U; Severe early-onset pulmonary alveolar proteinosis due to MARS deficiency. Last evaluated: 2024-02-21. Review status: criteria provided, single submitter. Criteria: Invitae Variant Classification Sherloc (09022015). Collection method: clinical testing. Allele origin: germline.
Comment: This variant, c.20_22del, results in the deletion of 1 amino acid(s) of the MARS protein (p.Asp7del), but otherwise preserves the integrity of the reading frame. This variant is present in population databases (no rsID available, gnomAD 0.007%). This variant has not been reported in the literature in individuals affected with MARS-related conditions. ClinVar contains an entry for this variant (Variation ID: 423053). Experimental studies and prediction algorithms are not available or were not evaluated, and the functional significance of this variant is currently unknown. In summary, the available evidence is currently insufficient to determine the role of this variant in disease. Therefore, it has been classified as a Variant of Uncertain Significance.

GeneDx
Classification: Uncertain significance. Last evaluated: 2017-01-05. Review status: criteria provided, single submitter. Criteria: GeneDx Variant Classification (06012015). Collection method: clinical testing. Allele origin: germline. Affected: yes.
Comment: The c.20_22delATG variant in the MARS gene has not been published as a pathogenic variant, nor has it been reported as a benign variant to our knowledge. This variant was not observed in approximately 6,500 individuals of European and African American ancestry in the NHLBI Exome Sequencing Project, indicating it is not a common benign variant in these populations. The c.20_22delATG variant results in an in frame deletion of an Aspartic Acid residue at position 7 of the RMND1 protein, denoted p.Asp7del. This deletion occurs at a position that is not conserved. In silico analysis is inconsistent in its predictions as to whether or not the variant is damaging to the protein structure/function. In summary, based on the currently available information, it is unclear whether this variant is a pathogenic variant or a rare benign variant.

NM_004990.4(MARS1):c.20_22del (p.Asp7del)

Genes: ARHGAP9 (Rho GTPase activating protein 9; minus strand), MARS1 (methionyl-tRNA synthetase 1; plus strand). Cytogenetic location: 12q13.3.
Variant type: Deletion.
Coding change: c.20_22del on transcript NM_004990.4 (MANE Select); coding-DNA positions 20 to 22, 3 bases deleted (ATG; older notation c.20_22delATG).
Protein change: p.Asp7del; deletes aspartic acid 7.
Molecular consequence: inframe deletion. On other transcripts: intron variant (1).
Genome position (GRCh38, 1-based): chr12:57,488,110-57,488,112, ATG deleted; deleting any 3 consecutive bases within chr12:57,488,108-57,488,112 gives the same sequence; the c. name uses the placement nearest the transcript's 3' end. VCF-style (leftmost placement, unchanged base first): chr12-57488107-GTGA-G. GRCh37 (hg19) VCF-style: chr12-57881890-GTGA-G.
Other names: c.-204+502_-204+504del (NM_001319850.2); short protein forms D7del.
Identifiers: ClinVar variation 423053 (VCV000423053.6), dbSNP rs1064796198, ClinGen allele CA16619577.